The following is an entry in ClinVar:

NM_206933.4(USH2A):c.1625G>T (p.Ser542Ile)

Gene: USH2A (usherin; minus strand). Cytogenetic location: 1q41.
Variant type: single nucleotide variant.
Coding change: c.1625G>T on transcript NM_206933.4 (MANE Select); coding-DNA position 1625, G replaced by T.
Protein change: p.Ser542Ile; replaces serine 542 with isoleucine.
Molecular consequence: missense variant.
Genome position (GRCh38, 1-based): chr1:216,321,902, C>A on the plus strand (G>T on the coding strand, the complement: USH2A is on the minus strand). VCF-style: chr1-216321902-C-A. GRCh37 (hg19) VCF-style: chr1-216495244-C-A.
Other names: c.1625G>T, p.Ser542Ile (NM_007123.6); short protein forms S542I.
Identifiers: ClinVar variation 2501296 (VCV002501296.1), dbSNP rs769443867, ClinGen allele CA344907625.

ClinVar aggregate classification (germline): Uncertain significance (1 of 4 stars; one submission).

Conditions:
Retinitis pigmentosa 39 (RP39). Identifiers: Orphanet 791, MedGen C3151138, MONDO:0013436, OMIM 613809.

Allele frequency attached by ClinVar (database versions not stated): TOPMed below 0.00001.
gnomAD v4.1: 3 of 1,613,810 alleles (0.00019%); highest among the groups gnomAD compares: Non-Finnish European, 0.00025%; no homozygotes.

Submission:

Pangenia Genomics, Pangenia Inc.
Classification: Uncertain significance for Retinitis pigmentosa 39. Last evaluated: 2022-03-14. Review status: criteria provided, single submitter. Criteria: ACMG Guidelines, 2015. Collection method: research. Allele origin: maternal, unknown. Inheritance: Autosomal recessive inheritance. Affected: yes and no. Observed: 1 heterozygote, 1 compound heterozygote.
Comment: The USH2A, c.1625G>T (p.Ser542Ile) variant is at extremely low frequency in population database. Multiple lines of computational evidence support a deleterious effect on the gene or gene product. This variant is detected in trans with a variant of uncertain significance [USH2A, c.6083A>G (p.Tyr2028Cys)].